The following is an entry in ClinVar:

NM_007194.4(CHEK2):c.1157_1158delinsAC (p.Gly386Asp)

Gene: CHEK2 (checkpoint kinase 2; minus strand). Cytogenetic location: 22q12.1.
Variant type: Indel.
Coding change: c.1157_1158delinsAC on transcript NM_007194.4 (MANE Select); coding-DNA positions 1157 to 1158, GA replaced by AC.
Protein change: p.Gly386Asp; replaces glycine 386 with aspartic acid.
Molecular consequence: missense variant.
Genome position (GRCh38, 1-based): chr22:28,695,811-28,695,812, TC replaced by GT on the plus strand (GA replaced by AC on the coding strand, the reverse complement: CHEK2 is on the minus strand). VCF-style: chr22-28695811-TC-GT. GRCh37 (hg19) VCF-style: chr22-29091799-TC-GT.
Other names: c.1286_1287delGAinsAC, p.Gly429Asp (NM_001005735.3); c.494_495delGAinsAC, p.Gly165Asp (NM_001257387.3); c.956_957delGAinsAC, p.Gly319Asp (NM_001349956.3); c.1070_1071delGAinsAC, p.Gly357Asp (NM_145862.3); short protein forms G319D, G165D, G357D, G429D, G386D.
Identifiers: ClinVar variation 3664223 (VCV003664223.2).

ClinVar aggregate classification (germline): Uncertain significance (1 of 4 stars; one submission).

Conditions:
Familial cancer of breast. Also called: hereditary breast carcinoma; Hereditary breast cancer; BREAST CANCER, FAMILIAL. Identifiers: Orphanet 227535, MedGen C0346153, MONDO:0016419, OMIM 114480. Disease mechanism: loss of function.

Submission:

Labcorp Genetics (formerly Invitae), Labcorp
Classification: Uncertain significance for Familial cancer of breast. Last evaluated: 2024-09-02. Review status: criteria provided, single submitter. Criteria: Invitae Variant Classification Sherloc (09022015). Collection method: clinical testing. Allele origin: germline.
Comment: This sequence change replaces glycine, which is neutral and non-polar, with aspartic acid, which is acidic and polar, at codon 386 of the CHEK2 protein (p.Gly386Asp). Information on the frequency of this variant in the gnomAD database is not available, as this variant may be reported differently in the database. This variant has not been reported in the literature in individuals affected with CHEK2-related conditions. An algorithm developed to predict the effect of missense changes on protein structure and function (PolyPhen-2) suggests that this variant is likely to be disruptive. In summary, the available evidence is currently insufficient to determine the role of this variant in disease. Therefore, it has been classified as a Variant of Uncertain Significance.